The following is an entry in ClinVar:

ClinVar aggregate classification (germline): Uncertain significance (1 of 4 stars; one submission).

Conditions:
Intellectual developmental disorder, autosomal dominant 43. Also called: Intellectual disability, autosomal dominant 43. Identifiers: MedGen C4707429, MONDO:0014858, OMIM 616977.

Submission:

Victorian Clinical Genetics Services, Murdoch Childrens Research Institute
Classification: Uncertain significance for Intellectual developmental disorder, autosomal dominant 43. Last evaluated: 2019-08-28. Review status: criteria provided, single submitter. Criteria: ACMG Guidelines, 2015. Collection method: clinical testing. Allele origin: germline. Inheritance: Autosomal dominant inheritance. Affected: yes.
Comment: A heterozygous inframe deletion variant, NM_006734.3(HIVEP2):c.4548_4550delCTC, has been identified in exon 5 of 10 of the HIVEP2 gene. The variant is predicted to result in an inframe deletion of the amino acid change serine at position 1517 of the protein (NP_006725.3(HIVEP2):p.(Ser1517del)). The serine at this position has high conservation (100 vertebrates, UCSC), but is not located within a well established functional domain. The variant is present in the gnomAD database at a frequency of 0.0004% (1 heterozygous). A residue change in the same codon has been reported in the gnomAD database at a frequency of 0.0004%. This variant has not been previously reported in clinical cases. A residue change in the same codon resulting in a leucine has been reported as VUS (ClinVar). Based on the information available at the time of curation, this variant has been classified as a VARIANT of UNCERTAIN SIGNIFICANCE (VUS).

NM_006734.4(HIVEP2):c.4545CTC[1] (p.Ser1517del)

Gene: HIVEP2 (HIVEP zinc finger 2; minus strand). Cytogenetic location: 6q24.2.
Variant type: Microsatellite.
Coding change: c.4545CTC[1] on transcript NM_006734.4 (MANE Select); one copy of the 3-base unit CTC starting at c.4545; the reference has two copies in a row; one copy, 3 bases deleted.
Protein change: p.Ser1517del; deletes serine 1517.
Molecular consequence: inframe deletion.
Genome position (GRCh38, 1-based): chr6:142,770,189-142,770,191, GAG deleted on the plus strand (CTC on the coding strand, the reverse complement: HIVEP2 is on the minus strand); deleting any 3 consecutive bases within chr6:142,770,189-142,770,194 gives the same sequence; the position shown is the placement nearest the transcript's 3' end. VCF-style (leftmost placement, unchanged base first): chr6-142770188-CGAG-C. GRCh37 (hg19) VCF-style: chr6-143091325-CGAG-C.
Other names: short protein forms S1517del.
Identifiers: ClinVar variation 1806226 (VCV001806226.1), dbSNP rs764352902, ClinGen allele CA4028060.